The following is an entry in ClinVar:

ClinVar aggregate classification (germline): Uncertain significance (1 of 4 stars; one submission).

Submission:

Labcorp Genetics (formerly Invitae), Labcorp
Classification: Uncertain significance. Last evaluated: 2025-04-23. Review status: criteria provided, single submitter. Criteria: Invitae Variant Classification Sherloc (09022015). Collection method: clinical testing. Allele origin: germline.
Comment: This sequence change falls in intron 34 of the COL18A1 gene. It does not directly change the encoded amino acid sequence of the COL18A1 protein. This variant is not present in population databases (gnomAD no frequency). This variant has not been reported in the literature in individuals affected with COL18A1-related conditions. Experimental studies and prediction algorithms are not available or were not evaluated, and the effect of this variant on mRNA splicing is currently unknown. In summary, the available evidence is currently insufficient to determine the role of this variant in disease. Therefore, it has been classified as a Variant of Uncertain Significance.

NM_001379500.1(COL18A1):c.2869-264_2869-263insTAGAGAGCCATGGGCCCCAGGTACTGCCTGGGGGCCCACACTGTTGTCAGGTCTCTGGTCTCTGCTGGTCTCTCCCCCGGGATCGCACCCCCAGGGAAGAAGGGGTGATGGTGTGGGGGTTTCTCAGGCTATGGCGTGGGCAGGGAGGGGACCGGTGACTCAGAGGCTGCGCTCGCCAAGGGGGTCTTGGCAGCTGCAGCCCCACAAGCTTGCCCGCCCCCAGTCCAGGGCACGAGGTAACCAGGAAGCGTCTCTTGTCGCCGTCCGTAGGGTCCCAAGGGAGAGAGCATCCGGGGCCAGCCCGGCCCACCTGGACCTCAGGGACCCCCCGGCATCGGCTACGAGGGGCGCCAGGGCCCTCCCGGCCCCCCAGGCCCACGTGGCTACCCTGGGATTCCAGTAAGTCCCAGCCTGTGCAGGCAGAGCCCATGTCCCAGGGGTCTGGGTGCAGGAGCCGAGGGCAGGTCCAGCCCGGCCTTCGACACCCGCGAAGGCCGGAGCTGCCCCTGCAAGCTCAGCAGCCCCGACATGTCCCTGTCCCCGTGTGGGGACGCAGCAGGCCACATGGGTGTGGGTGCACTGACCCCGGACACCCCCCGTCCCCCTGCAGCGTTCCATGGCCTGCCCTCCTGCTGGGGCCACGTGCATCCACCTCTGCTCCTGGGCCGGGTCAGGTCAGATCAGGGTTTAGGCCCATCAGTCCTGAAAGACTC

Genes: COL18A1 (collagen type XVIII alpha 1 chain; plus strand), SLC19A1 (solute carrier family 19 member 1; minus strand). Cytogenetic location: 21q22.3.
Variant type: Insertion.
Coding change: c.2869-264_2869-263insTAGAGAGCCATGGGCCCCAGGTACTGCCTGGGGGCCCACACTGTTGTCAGGTCTCTGGTCTCTGCTGGTCTCTCCCCCGGGATCGCACCCCCAGGGAAGAAGGGGTGATGGTGTGGGGGTTTCTCAGGCTATGGCGTGGGCAGGGAGGGGACCGGTGACTCAGAGGCTGCGCTCGCCAAGGGGGTCTTGGCAGCTGCAGCCCCACAAGCTTGCCCGCCCCCAGTCCAGGGCACGAGGTAACCAGGAAGCGTCTCTTGTCGCCGTCCGTAGGGTCCCAAGGGAGAGAGCATCCGGGGCCAGCCCGGCCCACCTGGACCTCAGGGACCCCCCGGCATCGGCTACGAGGGGCGCCAGGGCCCTCCCGGCCCCCCAGGCCCACGTGGCTACCCTGGGATTCCAGTAAGTCCCAGCCTGTGCAGGCAGAGCCCATGTCCCAGGGGTCTGGGTGCAGGAGCCGAGGGCAGGTCCAGCCCGGCCTTCGACACCCGCGAAGGCCGGAGCTGCCCCTGCAAGCTCAGCAGCCCCGACATGTCCCTGTCCCCGTGTGGGGACGCAGCAGGCCACATGGGTGTGGGTGCACTGACCCCGGACACCCCCCGTCCCCCTGCAGCGTTCCATGGCCTGCCCTCCTGCTGGGGCCACGTGCATCCACCTCTGCTCCTGGGCCGGGTCAGGTCAGATCAGGGTTTAGGCCCATCAGTCCTGAAAGACTC on transcript NM_001379500.1 (MANE Select); 264 bases into the intron before coding-DNA position 2869 through 263 bases into the intron before coding-DNA position 2869, TAGAGAGCCATGGGCCCCAGGTACTGCCTGGGGGCCCACACTGTTGTCAGGTCTCTGGTCTCTGCTGGTCTCTCCCCCGGGATCGCACCCCCAGGGAAGAAGGGGTGATGGTGTGGGGGTTTCTCAGGCTATGGCGTGGGCAGGGAGGGGACCGGTGACTCAGAGGCTGCGCTCGCCAAGGGGGTCTTGGCAGCTGCAGCCCCACAAGCTTGCCCGCCCCCAGTCCAGGGCACGAGGTAACCAGGAAGCGTCTCTTGTCGCCGTCCGTAGGGTCCCAAGGGAGAGAGCATCCGGGGCCAGCCCGGCCCACCTGGACCTCAGGGACCCCCCGGCATCGGCTACGAGGGGCGCCAGGGCCCTCCCGGCCCCCCAGGCCCACGTGGCTACCCTGGGATTCCAGTAAGTCCCAGCCTGTGCAGGCAGAGCCCATGTCCCAGGGGTCTGGGTGCAGGAGCCGAGGGCAGGTCCAGCCCGGCCTTCGACACCCGCGAAGGCCGGAGCTGCCCCTGCAAGCTCAGCAGCCCCGACATGTCCCTGTCCCCGTGTGGGGACGCAGCAGGCCACATGGGTGTGGGTGCACTGACCCCGGACACCCCCCGTCCCCCTGCAGCGTTCCATGGCCTGCCCTCCTGCTGGGGCCACGTGCATCCACCTCTGCTCCTGGGCCGGGTCAGGTCAGATCAGGGTTTAGGCCCATCAGTCCTGAAAGACTC inserted.
Molecular consequence: splice donor variant.
Genome position: GRCh38: chr21:45,504,870-45,504,871. GRCh37 (hg19): chr21:46,924,784-46,924,785.
Other names: c.4114-264_4114-263insTAGAGAGCCATGGGCCCCAGGTACTGCCTGGGGGCCCACACTGTTGTCAGGTCTCTGGTCTCTGCTGGTCTCTCCCCCGGGATCGCACCCCCAGGGAAGAAGGGGTGATGGTGTGGGGGTTTCTCAGGCTATGGCGTGGGCAGGGAGGGGACCGGTGACTCAGAGGCTGCGCTCGCCAAGGGGGTCTTGGCAGCTGCAGCCCCACAAGCTTGCCCGCCCCCAGTCCAGGGCACGAGGTAACCAGGAAGCGTCTCTTGTCGCCGTCCGTAGGGTCCCAAGGGAGAGAGCATCCGGGGCCAGCCCGGCCCACCTGGACCTCAGGGACCCCCCGGCATCGGCTACGAGGGGCGCCAGGGCCCTCCCGGCCCCCCAGGCCCACGTGGCTACCCTGGGATTCCAGTAAGTCCCAGCCTGTGCAGGCAGAGCCCATGTCCCAGGGGTCTGGGTGCAGGAGCCGAGGGCAGGTCCAGCCCGGCCTTCGACACCCGCGAAGGCCGGAGCTGCCCCTGCAAGCTCAGCAGCCCCGACATGTCCCTGTCCCCGTGTGGGGACGCAGCAGGCCACATGGGTGTGGGTGCACTGACCCCGGACACCCCCCGTCCCCCTGCAGCGTTCCATGGCCTGCCCTCCTGCTGGGGCCACGTGCATCCACCTCTGCTCCTGGGCCGGGTCAGGTCAGATCAGGGTTTAGGCCCATCAGTCCTGAAAGACTC (NM_130444.3); c.3409-264_3409-263insTAGAGAGCCATGGGCCCCAGGTACTGCCTGGGGGCCCACACTGTTGTCAGGTCTCTGGTCTCTGCTGGTCTCTCCCCCGGGATCGCACCCCCAGGGAAGAAGGGGTGATGGTGTGGGGGTTTCTCAGGCTATGGCGTGGGCAGGGAGGGGACCGGTGACTCAGAGGCTGCGCTCGCCAAGGGGGTCTTGGCAGCTGCAGCCCCACAAGCTTGCCCGCCCCCAGTCCAGGGCACGAGGTAACCAGGAAGCGTCTCTTGTCGCCGTCCGTAGGGTCCCAAGGGAGAGAGCATCCGGGGCCAGCCCGGCCCACCTGGACCTCAGGGACCCCCCGGCATCGGCTACGAGGGGCGCCAGGGCCCTCCCGGCCCCCCAGGCCCACGTGGCTACCCTGGGATTCCAGTAAGTCCCAGCCTGTGCAGGCAGAGCCCATGTCCCAGGGGTCTGGGTGCAGGAGCCGAGGGCAGGTCCAGCCCGGCCTTCGACACCCGCGAAGGCCGGAGCTGCCCCTGCAAGCTCAGCAGCCCCGACATGTCCCTGTCCCCGTGTGGGGACGCAGCAGGCCACATGGGTGTGGGTGCACTGACCCCGGACACCCCCCGTCCCCCTGCAGCGTTCCATGGCCTGCCCTCCTGCTGGGGCCACGTGCATCCACCTCTGCTCCTGGGCCGGGTCAGGTCAGATCAGGGTTTAGGCCCATCAGTCCTGAAAGACTC (NM_030582.4).
Identifiers: ClinVar variation 4718230 (VCV004718230.1).